The following is an entry in ClinVar:

ClinVar aggregate classification (germline): Uncertain significance (1 of 4 stars; one submission).

Conditions:
Fanconi anemia (FA). Also called: Fanconi's anemia. Identifiers: Orphanet 84, MedGen C0015625, MeSH D005199, MONDO:0019391.

gnomAD v4.1: 1 of 1,614,212 alleles (0.000062%); highest among the groups gnomAD compares: Admixed American, 0.0017%; no homozygotes.

Submission:

Labcorp Genetics (formerly Invitae), Labcorp
Classification: Uncertain significance for Fanconi anemia. Last evaluated: 2022-11-15. Review status: criteria provided, single submitter. Criteria: Invitae Variant Classification Sherloc (09022015). Collection method: clinical testing. Allele origin: germline.
Comment: In summary, the available evidence is currently insufficient to determine the role of this variant in disease. Therefore, it has been classified as a Variant of Uncertain Significance. Algorithms developed to predict the effect of missense changes on protein structure and function (SIFT, PolyPhen-2, Align-GVGD) all suggest that this variant is likely to be tolerated. ClinVar contains an entry for this variant (Variation ID: 1491403). This variant has not been reported in the literature in individuals affected with SLX4-related conditions. This variant is not present in population databases (gnomAD no frequency). This sequence change replaces tryptophan, which is neutral and slightly polar, with cysteine, which is neutral and slightly polar, at codon 879 of the SLX4 protein (p.Trp879Cys).

NM_032444.4(SLX4):c.2637G>C (p.Trp879Cys)

Gene: SLX4 (SLX4 structure-specific endonuclease subunit; minus strand). Cytogenetic location: 16p13.3.
Variant type: single nucleotide variant.
Coding change: c.2637G>C on transcript NM_032444.4 (MANE Select); coding-DNA position 2637, G replaced by C.
Protein change: p.Trp879Cys; replaces tryptophan 879 with cysteine.
Molecular consequence: missense variant.
Genome position (GRCh38, 1-based): chr16:3,591,001, C>G on the plus strand (G>C on the coding strand, the complement: SLX4 is on the minus strand). VCF-style: chr16-3591001-C-G. GRCh37 (hg19) VCF-style: chr16-3641002-C-G.
Other names: short protein forms W879C.
Identifiers: ClinVar variation 1491403 (VCV001491403.4), dbSNP rs1276786771, ClinGen allele CA394523273.